The following is an entry in ClinVar:

ClinVar aggregate classification (germline): Uncertain significance (1 of 4 stars; one submission).

Conditions:
Baller-Gerold syndrome (BGS). Also called: CRANIOSYNOSTOSIS WITH RADIAL DEFECTS. Identifiers: Orphanet 1225, MedGen C0265308, MONDO:0009039, OMIM 218600.

Allele frequency attached by ClinVar (database versions not stated): gnomAD exomes below 0.00001.

Submission:

Labcorp Genetics (formerly Invitae), Labcorp
Classification: Uncertain significance for Baller-Gerold syndrome. Last evaluated: 2020-11-02. Review status: criteria provided, single submitter. Criteria: Invitae Variant Classification Sherloc (09022015). Collection method: clinical testing. Allele origin: germline.
Comment: In summary, the available evidence is currently insufficient to determine the role of this variant in disease. Therefore, it has been classified as a Variant of Uncertain Significance. Experimental studies and prediction algorithms are not available or were not evaluated, and the functional significance of this variant is currently unknown. This variant has not been reported in the literature in individuals with RECQL4-related conditions. This variant is not present in population databases (ExAC no frequency). This sequence change replaces proline with arginine at codon 439 of the RECQL4 protein (p.Pro439Arg). The proline residue is weakly conserved and there is a moderate physicochemical difference between proline and arginine.

NM_004260.4(RECQL4):c.1316C>G (p.Pro439Arg)

Gene: RECQL4 (RecQ like helicase 4; minus strand). Cytogenetic location: 8q24.3.
Variant type: single nucleotide variant.
Coding change: c.1316C>G on transcript NM_004260.4 (MANE Select); coding-DNA position 1316, C replaced by G.
Protein change: p.Pro439Arg; replaces proline 439 with arginine.
Molecular consequence: missense variant.
Genome position (GRCh38, 1-based): chr8:144,515,400, G>C on the plus strand (C>G on the coding strand, the complement: RECQL4 is on the minus strand). VCF-style: chr8-144515400-G-C. GRCh37 (hg19) VCF-style: chr8-145740784-G-C.
Other names: short protein forms P439R.
Identifiers: ClinVar variation 1352423 (VCV001352423.6), dbSNP rs1586817456, ClinGen allele CA372685712.